The following is an entry in ClinVar:

NM_002878.4(RAD51D):c.345G>A (p.Gln115=)

Genes: RAD51L3-RFFL (RAD51L3-RFFL readthrough; minus strand), RAD51D (RAD51 paralog D; minus strand). Cytogenetic location: 17q12.
Variant type: single nucleotide variant.
Coding change: c.345G>A on transcript NM_002878.4 (MANE Select); coding-DNA position 345, G replaced by A.
Protein change: p.Gln115=; no amino-acid change (glutamine 115 retained).
Molecular consequence: synonymous variant. On other transcripts: non-coding transcript variant (2), intron variant (1).
Genome position (GRCh38, 1-based): chr17:35,107,366, C>T on the plus strand (G>A on the coding strand, the complement: RAD51D is on the minus strand). VCF-style: chr17-35107366-C-T. GRCh37 (hg19) VCF-style: chr17-33434385-C-T.
Other names: c.405G>A, p.Gln135= (NM_001142571.2); c.145-885G>A (NM_133629.3).
Identifiers: ClinVar variation 492426 (VCV000492426.11), dbSNP rs1555568469, ClinGen allele CA499731862.

ClinVar aggregate classification (germline): Conflicting classifications of pathogenicity. Review status: criteria provided, conflicting classifications (1 of 4 stars). 4 submissions from 4 submitters: Likely pathogenic (1); Uncertain significance (3). Last evaluated 2025-08-22.

Conditions:
Hereditary breast ovarian cancer syndrome. Also called: Hereditary breast and/or ovarian cancer syndrome; BRCA1- and BRCA2-Associated Hereditary Breast and Ovarian Cancer; Breast and ovarian cancer; Hereditary breast and ovarian cancer; Hereditary breast and ovarian cancer syndrome; Hereditary breast and ovarian cancer syndrome (HBOC). Identifiers: Orphanet 145, MedGen C0677776, MeSH D061325, MONDO:0003582. Disease mechanism: loss of function.
Breast-ovarian cancer, familial, susceptibility to, 4. Identifiers: Orphanet 145, MedGen C3280345, MONDO:0013669, OMIM 614291.
Hereditary cancer-predisposing syndrome. Also called: Hereditary neoplastic syndrome; Tumor predisposition; Hereditary Cancer Syndrome; Neoplastic Syndromes, Hereditary. Identifiers: Orphanet 140162, MedGen C0027672, MeSH D009386, MONDO:0015356.

Submissions (4):

Ambry Genetics
Classification: Uncertain significance for Hereditary cancer-predisposing syndrome. Last evaluated: 2025-08-22. Review status: criteria provided, single submitter. Criteria: Ambry Variant Classification Scheme 2023. Collection method: clinical testing. Allele origin: germline.
Comment: The c.345G>A variant (also known as p.Q115Q), located in coding exon 4 of the RAD51D gene, results from a G to A substitution at nucleotide position 345. This nucleotide substitution does not change the amino acid at codon 115. However, this change occurs in the last base pair of coding exon 4, which makes it likely to have some effect on normal mRNA splicing. This nucleotide position is highly conserved in available vertebrate species. In silico splice site analysis predicts that this alteration will weaken the native splice donor site. Internal RNA studies as well as in the literature have shown that exons 3 through 5 are excluded in several naturally occurring RAD51D transcripts (Davy G et al. Eur. J. Hum. Genet., 2017 10;25:1147-1154; Ambry internal data). Since supporting evidence is limited at this time, the clinical significance of this alteration remains unclear.

Color Diagnostics, LLC DBA Color Health
Classification: Uncertain significance for Hereditary cancer-predisposing syndrome. Last evaluated: 2024-05-16. Review status: criteria provided, single submitter. Criteria: ACMG Guidelines, 2015. Collection method: clinical testing. Allele origin: germline.
Comment: This synonymous variant alters the conserved c.G at the last nucleotide of exon 4 of the RAD51D gene. Splice site prediction tools suggest that this variant may have a significant impact on RNA splicing, although this prediction has not been confirmed in published RNA studies but has been reported to cause unspecified abnormal splicing in ClinVar (SCV004933564.1). To our knowledge, functional studies have not been reported for this variant. This variant has not been reported in individuals affected with RAD51D-related disorders in the literature. This variant has not been identified in the general population by the Genome Aggregation Database (gnomAD). The available evidence is insufficient to determine the role of this variant in disease conclusively. Therefore, this variant is classified as a Variant of Uncertain Significance.

German Consortium for Hereditary Breast and Ovarian Cancer, University Hospital Cologne
Classification: Uncertain significance for Hereditary breast ovarian cancer syndrome. Last evaluated: 2024-01-08. Review status: criteria provided, single submitter. Criteria: ACMG Guidelines, 2015. Collection method: curation. Allele origin: germline.
Comment: Own splice analysis not quantitative. Quantitative splice analysis and segregation data needed. According to the ACMG standard criteria we chose these criteria: PS3 (strong pathogenic): Enhanced skipping of exon 4 in RNA-analysis. Quantification not possible., PM2 (supporting pathogenic): not in gnomAD, PP3 (supporting pathogenic): PP3 (spliceAI: RAD51D: 0.9)

Myriad Genetics, Inc.
Classification: Likely pathogenic for Breast-ovarian cancer, familial, susceptibility to, 4. Last evaluated: 2024-01-04. Review status: criteria provided, single submitter. Criteria: Myriad Autosomal Dominant, Autosomal Recessive and X-Linked Classification Criteria (2023). Collection method: clinical testing. Allele origin: unknown.
Comment: This variant is considered likely pathogenic. mRNA analysis has demonstrated abnormal mRNA splicing occurs [Myriad internal data].

Literature cited by the submitters: PubMed 28905878 (cited by Ambry Genetics).